The following is an entry in ClinVar:

ClinVar aggregate classification (germline): other (0 of 4 stars; one submission).

Conditions:
Familial colorectal cancer. Identifiers: MedGen CN280943, MONDO:0023113. Disease mechanism: loss of function.

Submission:

Systems Biology Platform Zhejiang California International NanoSystems Institute
Classification: other for Familial colorectal cancer. Review status: no assertion criteria provided. Collection method: not provided. Allele origin: unknown.
ClinVar note: Converted during submission from cancer to other.

NM_000038.6(APC):c.834+3019G>T

Gene: APC (APC regulator of WNT signaling pathway; plus strand). Cytogenetic location: 5q22.2.
Variant type: single nucleotide variant.
Coding change: c.834+3019G>T on transcript NM_000038.6 (MANE Select); 3019 bases into the intron after coding-DNA position 834, G replaced by T.
Molecular consequence: intron variant.
Genome position (GRCh38, 1-based): chr5:112,804,402, G>T. VCF-style: chr5-112804402-G-T. GRCh37 (hg19) VCF-style: chr5-112140099-G-T.
Other names: c.834+3019G>T (NM_001354895.2, NM_001127510.3, NM_001354896.2 and 1 more transcripts); c.864+3019G>T (NM_001354897.2, NM_001354902.2); c.780+3019G>T (NM_001127511.3); c.759+3019G>T (NM_001354898.2, NM_001354904.2); c.-202+3019G>T (NM_001354906.2); c.750+3019G>T (NM_001354899.2); c.657+3019G>T (NM_001354900.2, NM_001354901.2, NM_001354905.2).
Identifiers: ClinVar variation 82519 (VCV000082519.2), dbSNP rs78519822, ClinGen allele CA014682.